The following is an entry in ClinVar:

NM_002047.4(GARS1):c.1397G>T (p.Cys466Phe)

Gene: GARS1 (glycyl-tRNA synthetase 1; plus strand). Cytogenetic location: 7p14.3.
Variant type: single nucleotide variant.
Coding change: c.1397G>T on transcript NM_002047.4 (MANE Select); coding-DNA position 1397, G replaced by T.
Protein change: p.Cys466Phe; replaces cysteine 466 with phenylalanine.
Molecular consequence: missense variant.
Genome position (GRCh38, 1-based): chr7:30,621,430, G>T. VCF-style: chr7-30621430-G-T. GRCh37 (hg19) VCF-style: chr7-30661046-G-T.
Other names: c.1235G>T, p.Cys412Phe (NM_001316772.1); short protein forms C412F, C466F.
Identifiers: ClinVar variation 1680937 (VCV001680937.8), dbSNP rs756498678, ClinGen allele CA4205971.

ClinVar aggregate classification (germline): Uncertain significance (1 of 4 stars; one submission).

Conditions:
Charcot-Marie-Tooth disease type 2. Also called: Charcot-Marie-Tooth type 2. Identifiers: Orphanet 64746, MedGen C0270914, MONDO:0018993.

Allele frequency attached by ClinVar (database versions not stated): TOPMed below 0.00001.
gnomAD v4.1: 2 of 1,614,094 alleles (0.00012%); highest among the groups gnomAD compares: Non-Finnish European, 0.00017%; no homozygotes.

Submission:

Labcorp Genetics (formerly Invitae), Labcorp
Classification: Uncertain significance for Charcot-Marie-Tooth disease type 2. Last evaluated: 2024-05-16. Review status: criteria provided, single submitter. Criteria: Invitae Variant Classification Sherloc (09022015). Collection method: clinical testing. Allele origin: germline.
Comment: This sequence change replaces cysteine, which is neutral and slightly polar, with phenylalanine, which is neutral and non-polar, at codon 466 of the GARS protein (p.Cys466Phe). This variant is present in population databases (rs756498678, gnomAD 0.0009%). This variant has not been reported in the literature in individuals affected with GARS-related conditions. ClinVar contains an entry for this variant (Variation ID: 1680937). Advanced modeling of protein sequence and biophysical properties (such as structural, functional, and spatial information, amino acid conservation, physicochemical variation, residue mobility, and thermodynamic stability) has been performed at Invitae for this missense variant, however the output from this modeling did not meet the statistical confidence thresholds required to predict the impact of this variant on GARS protein function. In summary, the available evidence is currently insufficient to determine the role of this variant in disease. Therefore, it has been classified as a Variant of Uncertain Significance.